The following is an entry in ClinVar:

ClinVar aggregate classification (germline): Likely benign. Review status: criteria provided, multiple submitters, no conflicts (2 of 4 stars). 3 submissions from 3 submitters: Likely benign (3). Last evaluated 2025-08-14.

Conditions:
BRCA2-related cancer predisposition. Identifiers: MedGen CN377758, MONDO:0700269.
Hereditary cancer-predisposing syndrome. Also called: Hereditary Cancer Syndrome; Neoplastic Syndromes, Hereditary; Tumor predisposition; Hereditary neoplastic syndrome. Identifiers: Orphanet 140162, MedGen C0027672, MeSH D009386, MONDO:0015356.
Hereditary breast ovarian cancer syndrome. Also called: Hereditary breast and ovarian cancer syndrome; Hereditary breast and ovarian cancer; Hereditary breast and ovarian cancer syndrome (HBOC); Breast and ovarian cancer; Hereditary breast and/or ovarian cancer syndrome; BRCA1- and BRCA2-Associated Hereditary Breast and Ovarian Cancer. Identifiers: Orphanet 145, MedGen C0677776, MeSH D061325, MONDO:0003582. Disease mechanism: loss of function.

Allele frequency attached by ClinVar (database versions not stated): gnomAD exomes below 0.00001.
gnomAD v4.1: 1 of 1,613,962 alleles (0.000062%); highest among the groups gnomAD compares: Non-Finnish European, 0.000085%; no homozygotes.

Submissions (3):

Ambry Genetics
Classification: Likely benign for Hereditary cancer-predisposing syndrome. Last evaluated: 2025-08-14. Review status: criteria provided, single submitter. Criteria: Ambry Variant Classification Scheme 2023. Collection method: clinical testing. Allele origin: germline.

All of Us Research Program, National Institutes of Health
Classification: Likely benign for BRCA2-related cancer predisposition. Last evaluated: 2024-08-29. Review status: criteria provided, single submitter. Criteria: ACMG Guidelines, 2015. Collection method: clinical testing. Allele origin: germline. Inheritance: Autosomal dominant inheritance. Observed: 2 variant alleles, 2 heterozygotes.
Comment: This study involves interpretation of variants in research participants for the purpose of population health screening. Participant phenotype was not available at the time of variant classification. Additional details can be found in publication PMID: 35346344, PMCID: PMC8962531

Labcorp Genetics (formerly Invitae), Labcorp
Classification: Likely benign for Hereditary breast ovarian cancer syndrome. Last evaluated: 2020-02-28. Review status: criteria provided, single submitter. Criteria: Invitae Variant Classification Sherloc (09022015). Collection method: clinical testing. Allele origin: germline.

NM_000059.4(BRCA2):c.5484A>G (p.Lys1828=)

Gene: BRCA2 (BRCA2 DNA repair associated; plus strand). Cytogenetic location: 13q13.1.
Variant type: single nucleotide variant.
Coding change: c.5484A>G on transcript NM_000059.4 (MANE Select); coding-DNA position 5484, A replaced by G.
Protein change: p.Lys1828=; no amino-acid change (lysine 1828 retained).
Molecular consequence: synonymous variant.
Genome position (GRCh38, 1-based): chr13:32,339,839, A>G. VCF-style: chr13-32339839-A-G. GRCh37 (hg19) VCF-style: chr13-32913976-A-G.
Identifiers: ClinVar variation 480971 (VCV000480971.16), dbSNP rs1380872594, ClinGen allele CA483438483.
Genomic context (GRCh38, chr13:32,339,839, plus strand): 5'-TTGCGTTGAGGAACTTGTGACTAGCTCTTCACCCTGCAAAAATAAAAATGCAGCCATTAA[A>G]TTGTCCATATCTAATAGTAATAATTTTGAGGTAGGGCCACCTGCATTTAGGATAGCCAGT-3'
Protein context (NP_000050.3, residues 1818-1838): SPCKNKNAAI[Lys1828=]LSISNSNNFE